The following is an entry in ClinVar:

NC_000019.9:g.(?_17985321)_(17991512_?)del

Gene: SLC5A5 (solute carrier family 5 member 5; plus strand). Cytogenetic location: 19p13.11.
Variant type: Deletion.
Identifiers: ClinVar variation 3242653 (VCV003242653.1).

ClinVar aggregate classification (germline): Pathogenic (1 of 4 stars; one submission).

Submission:

Labcorp Genetics (formerly Invitae), Labcorp
Classification: Pathogenic. Last evaluated: 2023-11-09. Review status: criteria provided, single submitter. Criteria: Invitae Variant Classification Sherloc (09022015). Collection method: clinical testing. Allele origin: unknown.
Comment: This variant results in the deletion of part of exon 3 and exons 4-7 (c.442_970-162delins431) of the SLC5A5 gene. It is expected to disrupt RNA splicing. Variants that disrupt the donor or acceptor splice site typically lead to a loss of protein function (PMID: 16199547), and loss-of-function variants in SLC5A5 are known to be pathogenic (PMID: 9388506, 9486973). This variant has not been reported in the literature in individuals affected with SLC5A5-related conditions. This variant disrupts a region of the SLC5A5 protein in which other variant(s) (p.Gln267Glu) have been determined to be pathogenic (PMID: 9486973). This suggests that this is a clinically significant region of the protein, and that variants that disrupt it are likely to be disease-causing. For these reasons, this variant has been classified as Pathogenic.

Literature cited by the submitters: PubMed 16199547; PubMed 9388506; PubMed 9486973.